The following is an entry in ClinVar:

ClinVar aggregate classification (germline): Pathogenic (0 of 4 stars; one submission).

Conditions:
Ornithine carbamoyltransferase deficiency (OTCD). Also called: OTC DEFICIENCY; ORNITHINE TRANSCARBAMYLASE DEFICIENCY; ORNITHINE TRANSCARBAMYLASE DEFICIENCY, HYPERAMMONEMIA DUE TO; Ornithine Carbamoyltransferase Deficiency Disease. Identifiers: Orphanet 664, MedGen C0268542, MONDO:0010703, OMIM 311250.

Submission:

Molecular Genetics laboratory, Necker Hospital
Classification: Pathogenic for Ornithine carbamoyltransferase deficiency. Review status: no assertion criteria provided. Collection method: clinical testing. Allele origin: maternal. Inheritance: X-linked inheritance. Affected: yes.

NM_000531.6(OTC):c.217-2A>G

Gene: OTC (ornithine transcarbamylase; plus strand). Cytogenetic location: Xp11.4.
Variant type: single nucleotide variant.
Coding change: c.217-2A>G on transcript NM_000531.6 (MANE Select); the canonical splice acceptor site of the intron before coding-DNA position 217, A replaced by G.
Molecular consequence: splice acceptor variant.
Genome position (GRCh38, 1-based): chrX:38,369,794, A>G. VCF-style: chrX-38369794-A-G. GRCh37 (hg19) VCF-style: chrX-38229047-A-G.
Other names: c.217-2A>G (NM_001407092.1).
Identifiers: ClinVar variation 915470 (VCV000915470.3), dbSNP rs2068314699, ClinGen allele CA412716751.